The following is an entry in ClinVar:

ClinVar aggregate classification (germline): Likely pathogenic (1 of 4 stars; one submission).

Conditions:
X-linked lymphoproliferative disease due to XIAP deficiency. Also called: XIAP DEFICIENCY; XIAP-Related Lymphoproliferative Disease, X-Linked. Identifiers: Orphanet 2442, Orphanet 538934, MedGen C1845076, MONDO:0010385, OMIM 300635.

Submission:

3billion
Classification: Likely pathogenic for X-linked lymphoproliferative disease due to XIAP deficiency. Last evaluated: 2025-05-26. Review status: criteria provided, single submitter. Criteria: ACMG Guidelines, 2015. Collection method: clinical testing. Allele origin: germline. Affected: yes.
Comment: The variant is not observed in the gnomAD v4.1.0 dataset. Predicted Consequence/Location: Canonical splice site: predicted to alter splicing and result in a loss or disruption of normal protein function. Multiple pathogenic loss-of-function variants are reported downstream of the variant. Therefore, this variant is classified as Likely pathogenic according to the recommendation of ACMG/AMP guideline.

NM_001167.4(XIAP):c.1056+2T>G

Gene: XIAP (X-linked inhibitor of apoptosis; plus strand). Cytogenetic location: Xq25.
Variant type: single nucleotide variant.
Coding change: c.1056+2T>G on transcript NM_001167.4 (MANE Select); the canonical splice donor site of the intron after coding-DNA position 1056, T replaced by G.
Molecular consequence: splice donor variant.
Genome position (GRCh38, 1-based): chrX:123,891,318, T>G. VCF-style: chrX-123891318-T-G. GRCh37 (hg19) VCF-style: chrX-123025168-T-G.
Other names: c.1056+2T>G (NM_001378592.1, NM_001378591.1, NM_001204401.2 and 1 more transcripts).
Identifiers: ClinVar variation 4854246 (VCV004854246.1).